The following is an entry in ClinVar:

NM_001378454.1(ALMS1):c.3897G>T (p.Gln1299His)

Gene: ALMS1 (ALMS1 centrosome and basal body associated protein; plus strand). Cytogenetic location: 2p13.1.
Variant type: single nucleotide variant.
Coding change: c.3897G>T on transcript NM_001378454.1 (MANE Select); coding-DNA position 3897, G replaced by T.
Protein change: p.Gln1299His; replaces glutamine 1299 with histidine.
Molecular consequence: missense variant.
Genome position (GRCh38, 1-based): chr2:73,450,424, G>T. VCF-style: chr2-73450424-G-T. GRCh37 (hg19) VCF-style: chr2-73677551-G-T.
Other names: c.3900G>T, p.Gln1300His (NM_015120.4); short protein forms Q1300H, Q1299H.
Identifiers: ClinVar variation 1508681 (VCV001508681.7), dbSNP rs745335322, ClinGen allele CA347277032.

ClinVar aggregate classification (germline): Uncertain significance. Review status: criteria provided, multiple submitters, no conflicts (2 of 4 stars). 2 submissions from 2 submitters: Uncertain significance (2). Last evaluated 2022-03-18.

Conditions:
Alstrom syndrome (ALMS). Identifiers: Orphanet 64, MedGen C0268425, MONDO:0008763, OMIM 203800.

Allele frequency attached by ClinVar (database versions not stated): TOPMed below 0.00001.
gnomAD v4.1: 1 of 1,613,628 alleles (0.000062%); highest among the groups gnomAD compares: Non-Finnish European, 0.000085%; no homozygotes.

Submissions (2):

Labcorp Genetics (formerly Invitae), Labcorp
Classification: Uncertain significance for Alstrom syndrome. Last evaluated: 2022-03-18. Review status: criteria provided, single submitter. Criteria: Invitae Variant Classification Sherloc (09022015). Collection method: clinical testing. Allele origin: germline.
Comment: This sequence change replaces glutamine, which is neutral and polar, with histidine, which is basic and polar, at codon 1300 of the ALMS1 protein (p.Gln1300His). In summary, the available evidence is currently insufficient to determine the role of this variant in disease. Therefore, it has been classified as a Variant of Uncertain Significance. Experimental studies and prediction algorithms are not available or were not evaluated, and the functional significance of this variant is currently unknown. This variant has not been reported in the literature in individuals affected with ALMS1-related conditions. This variant is present in population databases (no rsID available, gnomAD 0.0009%).

Fulgent Genetics
Classification: Uncertain significance for Alstrom syndrome. Last evaluated: 2021-11-17. Review status: criteria provided, single submitter. Criteria: ACMG Guidelines, 2015. Collection method: clinical testing. Allele origin: unknown.